The following is an entry in ClinVar:

ClinVar aggregate classification (germline): Uncertain significance. Review status: criteria provided, multiple submitters, no conflicts (2 of 4 stars). 2 submissions from 2 submitters: Uncertain significance (2). Last evaluated 2025-04-01.

Allele frequency attached by ClinVar (database versions not stated): TOPMed 0.00002; gnomAD exomes 0.00001; gnomAD 0.00003.
gnomAD v4.1: 15 of 1,614,086 alleles (0.00093%); highest among the groups gnomAD compares: African/African-American, 0.0013%; no homozygotes.

Submissions (2):

Ambry Genetics
Classification: Uncertain significance. Last evaluated: 2025-04-01. Review status: criteria provided, single submitter. Criteria: Ambry Variant Classification Scheme 2023. Collection method: clinical testing. Allele origin: germline.

GeneDx
Classification: Uncertain significance. Last evaluated: 2017-01-23. Review status: criteria provided, single submitter. Criteria: GeneDx Variant Classification (06012015). Collection method: clinical testing. Allele origin: germline. Affected: yes.
Comment: The Q327P variant in the SERPIND1 gene has not been reported previously as a pathogenic variant, nor as a benign variant, to our knowledge. This variant was not observed in approximately 6500 individuals of European and African American ancestry in the NHLBI Exome Sequencing Project, indicating it is not a common benign variant in these populations. The Q327P variant is a non-conservative amino acid substitution, which is likely to impact secondary protein structure as these residues differ in polarity, charge, size and/or other properties. This substitution occurs at a position that is conserved in mammals. In silico analysis is inconsistent in its predictions as to whether or not the variant is damaging to the protein structure/function. We interpret Q327P as a variant of uncertain significance.

NM_000185.4(SERPIND1):c.980A>C (p.Gln327Pro)

Genes: PI4KA (phosphatidylinositol 4-kinase alpha; minus strand), SERPIND1 (serpin family D member 1; plus strand). Cytogenetic location: 22q11.21.
Variant type: single nucleotide variant.
Coding change: c.980A>C on transcript NM_000185.4 (MANE Select); coding-DNA position 980, A replaced by C.
Protein change: p.Gln327Pro; replaces glutamine 327 with proline.
Molecular consequence: missense variant. On other transcripts: intron variant (3).
Genome position (GRCh38, 1-based): chr22:20,784,062, A>C. VCF-style: chr22-20784062-A-C. GRCh37 (hg19) VCF-style: chr22-21138350-A-C.
Other names: c.2262+9131T>G (NM_001362863.2); c.2328+9131T>G (NM_001362862.2, NM_058004.4); short protein forms Q327P.
Identifiers: ClinVar variation 393085 (VCV000393085.5), dbSNP rs1057524779, ClinGen allele CA16609077.